The following is an entry in ClinVar:

NM_198576.4(AGRN):c.1612G>T (p.Gly538Trp)

Gene: AGRN (agrin; plus strand). Cytogenetic location: 1p36.33.
Variant type: single nucleotide variant.
Coding change: c.1612G>T on transcript NM_198576.4 (MANE Select); coding-DNA position 1612, G replaced by T.
Protein change: p.Gly538Trp; replaces glycine 538 with tryptophan.
Molecular consequence: missense variant.
Genome position (GRCh38, 1-based): chr1:1,043,546, G>T. VCF-style: chr1-1043546-G-T. GRCh37 (hg19) VCF-style: chr1-978926-G-T.
Other names: c.1612G>T, p.Gly538Trp (NM_001305275.2); c.1297G>T, p.Gly433Trp (NM_001364727.2); short protein forms G538W, G433W.
Identifiers: ClinVar variation 650265 (VCV000650265.10), dbSNP rs558214372, ClinGen allele CA337832967.

ClinVar aggregate classification (germline): Uncertain significance (1 of 4 stars; one submission).

Conditions:
Congenital myasthenic syndrome 8. Also called: Myasthenic syndrome, congenital, 8, with pre- and postsynaptic defects; MYASTHENIC SYNDROME, CONGENITAL, DUE TO AGRIN DEFICIENCY. Identifiers: Orphanet 590, MedGen C3808739, MONDO:0014052, OMIM 615120.

gnomAD v4.1: 1 of 1,604,388 alleles (0.000062%); highest among the groups gnomAD compares: East Asian, 0.0022%; no homozygotes.

Submission:

Labcorp Genetics (formerly Invitae), Labcorp
Classification: Uncertain significance for Congenital myasthenic syndrome 8. Last evaluated: 2019-04-22. Review status: criteria provided, single submitter. Criteria: Invitae Variant Classification Sherloc (09022015). Collection method: clinical testing. Allele origin: germline.
Comment: In summary, the available evidence is currently insufficient to determine the role of this variant in disease. Therefore, it has been classified as a Variant of Uncertain Significance. Algorithms developed to predict the effect of missense changes on protein structure and function are either unavailable or do not agree on the potential impact of this missense change (SIFT: "Deleterious"; PolyPhen-2: "Probably Damaging"; Align-GVGD: "Class C15"). This variant has not been reported in the literature in individuals with AGRN-related disease. This variant is not present in population databases (ExAC no frequency). This sequence change replaces glycine with tryptophan at codon 538 of the AGRN protein (p.Gly538Trp). The glycine residue is highly conserved and there is a large physicochemical difference between glycine and tryptophan.